The following is an entry in ClinVar:

NM_000059.4(BRCA2):c.2637_2638del (p.Glu880fs)

Gene: BRCA2 (BRCA2 DNA repair associated; plus strand). Cytogenetic location: 13q13.1.
Variant type: Deletion.
Coding change: c.2637_2638del on transcript NM_000059.4 (MANE Select); coding-DNA positions 2637 to 2638, 2 bases deleted (TG; older notation c.2637_2638delTG).
Protein change: p.Glu880fs; shifts the reading frame from glutamic acid 880.
Molecular consequence: frameshift variant.
Genome position (GRCh38, 1-based): chr13:32,336,992-32,336,993, TG deleted. VCF-style (leftmost placement, unchanged base first): chr13-32336991-CTG-C. GRCh37 (hg19) VCF-style: chr13-32911128-CTG-C.
Other names: c.2637_2638delTG (NM_000059.3); short protein forms E880fs.
Identifiers: ClinVar variation 51319 (VCV000051319.3), dbSNP rs397507636, ClinGen allele CA015917.

ClinVar aggregate classification (germline): Pathogenic. Review status: reviewed by expert panel (3 of 4 stars). 2 submissions from 2 submitters: Pathogenic (1). 1 of the submissions does not count toward it. Last evaluated 2017-12-15.

Conditions:
Familial cancer of breast. Also called: BREAST CANCER, FAMILIAL; Hereditary breast cancer; hereditary breast carcinoma. Identifiers: Orphanet 227535, MedGen C0346153, MONDO:0016419, OMIM 114480. Disease mechanism: loss of function.
Breast-ovarian cancer, familial, susceptibility to, 2 (BROVCA2). Also called: BRCA2 Hereditary Breast and Ovarian Cancer. Identifiers: Orphanet 145, MedGen C2675520, MONDO:0012933, OMIM 612555. Disease mechanism: loss of function.

Submissions (2):

Evidence-based Network for the Interpretation of Germline Mutant Alleles (ENIGMA)
Classification: Pathogenic for Breast-ovarian cancer, familial, susceptibility to, 2. Last evaluated: 2017-12-15. Review status: reviewed by expert panel. Criteria: ENIGMA BRCA1/2 Classification Criteria (2017-06-29). Collection method: curation. Allele origin: germline. Study: ENIGMA.
Comment: Variant allele predicted to encode a truncated non-functional protein.

ClinVar Staff, National Center for Biotechnology Information (NCBI)
No classification provided. Condition: Familial cancer of breast. Review status: no classification provided. Collection method: literature only. Allele origin: germline. Affected: yes. Not counted in ClinVar's aggregate classification.

Literature cited by the submitters: PubMed 22655046 (cited by ClinVar Staff, National Center for Biotechnology Information (NCBI)).